The following is an entry in ClinVar:

ClinVar aggregate classification (germline): Pathogenic (1 of 4 stars; one submission).

Conditions:
Cardiovascular phenotype. Identifiers: MedGen CN230736.
Hereditary cancer-predisposing syndrome. Also called: Neoplastic Syndromes, Hereditary; Tumor predisposition; Hereditary Cancer Syndrome; Hereditary neoplastic syndrome. Identifiers: Orphanet 140162, MedGen C0027672, MeSH D009386, MONDO:0015356.

Submission:

Ambry Genetics
Classification: Pathogenic for Cardiovascular phenotype; Hereditary cancer-predisposing syndrome. Last evaluated: 2022-07-21. Review status: criteria provided, single submitter. Criteria: Ambry Variant Classification Scheme 2023. Collection method: clinical testing. Allele origin: germline.
Comment: The c.834_840dupACCACCC variant, located in coding exon 9 of the LZTR1 gene, results from a duplication of ACCACCC at nucleotide position 834, causing a translational frameshift with a predicted alternate stop codon (p.P281Tfs*15). This alteration is expected to result in loss of function by premature protein truncation or nonsense-mediated mRNA decay. Loss-of-function variants in LZTR1 are related to an increased risk for schwannomas and autosomal recessive Noonan syndrome; however, such associations with autosomal dominant Noonan syndrome have not been observed (Piotrowski A et al. Nat Genet. 2014 Feb;46:182-7; Yamamoto GL et al. J Med Genet. 2015 Jun;52:413-21; Johnston JJ et al. Genet Med. 2018 10;20:1175-1185). Based on the supporting evidence, this variant is pathogenic for an increased risk of LZTR1-related schwannomatosis (SWN) and would be expected to cause autosomal recessive Noonan syndrome when present along with a second pathogenic or likely pathogenic variant on the other allele; however, the association of this alteration with autosomal dominant Noonan syndrome is unlikely.

NM_006767.4(LZTR1):c.834_840dup (p.Pro281fs)

Gene: LZTR1 (leucine zipper like post translational regulator 1; plus strand). Cytogenetic location: 22q11.21.
Variant type: Duplication.
Coding change: c.834_840dup on transcript NM_006767.4 (MANE Select); coding-DNA positions 834 to 840, 7 bases duplicated (ACCACCC; older notation c.834_840dupACCACCC).
Protein change: p.Pro281fs; shifts the reading frame from proline 281.
Molecular consequence: frameshift variant.
Genome position (GRCh38, 1-based): chr22:20,991,670-20,991,676, ACCACCC duplicated; duplicating any 7 consecutive bases within chr22:20,991,667-20,991,676 gives the same sequence; the c. name uses the placement nearest the transcript's 3' end. VCF-style (leftmost placement, unchanged base first): chr22-20991666-C-CCCCACCA. GRCh37 (hg19) VCF-style: chr22-21345955-C-CCCCACCA.
Other names: short protein forms P281fs.
Identifiers: ClinVar variation 1762997 (VCV001762997.2), dbSNP rs2518617017, ClinGen allele CA2580099209.